The following is an entry in ClinVar:

NM_022458.4(LMBR1):c.423+5055G>T

Genes: LMBR1 (limb development membrane protein 1; minus strand), ZRS (ZPA regulatory sequence; plus strand). Cytogenetic location: 7q36.3.
Variant type: single nucleotide variant.
Coding change: c.423+5055G>T on transcript NM_022458.4 (MANE Select); 5055 bases into the intron after coding-DNA position 423, G replaced by T.
Molecular consequence: intron variant.
Genome position (GRCh38, 1-based): chr7:156,791,334, C>A on the plus strand (G>T on the coding strand, the complement: LMBR1 is on the minus strand). VCF-style: chr7-156791334-C-A. GRCh37 (hg19) VCF-style: chr7-156584028-C-A.
Other names: c.360+5055G>T (NM_001363412.2); c.144+5055G>T (NM_001350954.2); c.423+5055G>T (NM_001363410.2, NM_001363409.2, NM_001350953.2); c.-112+5055G>T (NM_001350958.2, NM_001350956.2, NM_001350955.2 and 1 more transcripts); c.54+5055G>T (NM_001350957.2, NM_001363411.2).
Identifiers: ClinVar variation 3353326 (VCV003353326.1).

ClinVar aggregate classification (germline): Uncertain significance (0 of 4 stars; one submission).

Conditions:
LMBR1-related disorder. Also called: LMBR1-related condition.

Submission:

PreventionGenetics, part of Exact Sciences
Classification: Uncertain significance for LMBR1-related condition. Last evaluated: 2024-04-25. Review status: no assertion criteria provided. Collection method: clinical testing. Allele origin: germline.
Comment: The LMBR1 c.423+5055G>T variant is predicted to interfere with splicing. To our knowledge, this variant has not been reported in the literature or in a large population database, indicating this variant is rare. Of note, variants within intron 5 of LMBR1 that impact the long-range regulatory element for SSH known as the zone of polarizing activity regulatory sequence (ZRS) (OMIM#620738: ~chr7:156,583,402-156,585,773, GRCh37/hg19) have been documented in patients with polydactyly and digit anomalies (Dai et al. 2013. PubMed ID:23793141; Xiang et al. 2017. PubMed ID: 28127823; Potuijt et al. 2020. PubMed ID: 32179704; Xu et al. 2020. PubMed ID: 31395945). At this time, the clinical significance of this variant is uncertain due to the absence of conclusive functional and genetic evidence. At this time, the clinical significance of this variant is uncertain due to the absence of conclusive functional and genetic evidence.